The following is an entry in ClinVar:

NM_022765.4(MICAL1):c.-38_-37inv

Gene: MICAL1 (microtubule associated monooxygenase, calponin and LIM domain containing 1; minus strand). Cytogenetic location: 6q21.
Variant type: Inversion.
Coding change: c.-38_-37inv on transcript NM_022765.4 (MANE Select).
Molecular consequence: 5 prime UTR variant. On other transcripts: missense variant (1).
Genome position: GRCh38 VCF-style: chr6-109454233-TG-CA. GRCh37 (hg19) VCF-style: chr6-109775436-TG-CA.
Other names: c.-38_-37inv (NM_001159291.2); c.20_21inv, p.Ser7Leu (NM_001286613.2); short protein forms S7L.
Identifiers: ClinVar variation 2012856 (VCV002012856.4), ClinGen allele CA2580074758.

ClinVar aggregate classification (germline): Uncertain significance (1 of 4 stars; one submission).

Submission:

Labcorp Genetics (formerly Invitae), Labcorp
Classification: Uncertain significance. Last evaluated: 2025-11-05. Review status: criteria provided, single submitter. Criteria: Invitae Variant Classification Sherloc (09022015). Collection method: clinical testing. Allele origin: germline.
Comment: This sequence change replaces serine, which is neutral and polar, with leucine, which is neutral and non-polar, at codon 7 of the MICAL1 protein (p.Ser7Leu). Information on the frequency of this variant in the gnomAD database is not available, as this variant may be reported differently in the database. This variant has not been reported in the literature in individuals affected with MICAL1-related conditions. ClinVar contains an entry for this variant (Variation ID: 2012856). Experimental studies and prediction algorithms are not available or were not evaluated, and the functional significance of this variant is currently unknown. In summary, the available evidence is currently insufficient to determine the role of this variant in disease. Therefore, it has been classified as a Variant of Uncertain Significance.